The following is an entry in ClinVar:

NM_002890.3(RASA1):c.1777-14T>A

Genes: CCNH (cyclin H; minus strand), RASA1 (RAS p21 protein activator 1; plus strand). Cytogenetic location: 5q14.3.
Variant type: single nucleotide variant.
Coding change: c.1777-14T>A on transcript NM_002890.3 (MANE Select); 14 bases into the intron before coding-DNA position 1777, T replaced by A.
Molecular consequence: intron variant.
Genome position (GRCh38, 1-based): chr5:87,374,149, T>A. VCF-style: chr5-87374149-T-A. GRCh37 (hg19) VCF-style: chr5-86669966-T-A.
Other names: c.1246-14T>A (NM_022650.3); c.933+20895A>T (NM_001364075.2).
Identifiers: ClinVar variation 213658 (VCV000213658.18), dbSNP rs36000817, ClinGen allele CA322555.

ClinVar aggregate classification (germline): Benign/Likely benign. Review status: criteria provided, multiple submitters, no conflicts (2 of 4 stars). 4 submissions from 4 submitters: Benign (3); Likely benign (1). Last evaluated 2026-02-04.

Conditions:
Capillary malformation-arteriovenous malformation syndrome. Also called: Capillary malformation-arteriovenous malformation. Identifiers: Orphanet 137667, MedGen C1842180, MONDO:0012016.

Allele frequency attached by ClinVar (database versions not stated): TOPMed 0.03330; gnomAD 0.03681 and 0.03665; gnomAD exomes 0.07214 and 0.04114; ExAC 0.13293.
gnomAD v4.1: 44,815 of 1,110,972 alleles (4%); highest among the groups gnomAD compares: Non-Finnish European, 4.4%; 254 homozygotes.

Submissions 1 to 31 of 41:

Labcorp Genetics (formerly Invitae), Labcorp
Classification: Benign for Capillary malformation-arteriovenous malformation syndrome. Last evaluated: 2026-02-04. Review status: criteria provided, single submitter. Criteria: Invitae Variant Classification Sherloc (09022015). Collection method: clinical testing. Allele origin: germline.

Blueprint Genetics
Classification: Likely benign. Last evaluated: 2024-11-26. Review status: criteria provided, single submitter. Criteria: ACMG Guidelines, 2015. Collection method: clinical testing. Allele origin: germline.

Eurofins Ntd Llc (ga)
Classification: Benign. Last evaluated: 2016-01-12. Review status: criteria provided, single submitter. Criteria: EGL Classification Definitions 2015. Collection method: clinical testing. Allele origin: germline. Observed: 1 variant allele, 1 heterozygote.

GeneDx
Classification: Benign. Last evaluated: 2014-12-04. Review status: criteria provided, single submitter. Criteria: GeneDx Variant Classification (06012015). Collection method: clinical testing. Allele origin: germline. Affected: yes.
Comment: This variant is considered likely benign or benign based on one or more of the following criteria: it is a conservative change, it occurs at a poorly conserved position in the protein, it is predicted to be benign by multiple in silico algorithms, and/or has population frequency not consistent with disease.

Dr. Peter K. Rogan Lab, Western University
No classification provided (evidence only). Condition: Lung cancer. Review status: no classification provided. Collection method: in vitro. Allele origin: not applicable. Functional consequence: retained intron. Not counted in ClinVar's aggregate classification.

Dr. Peter K. Rogan Lab, Western University
No classification provided (evidence only). Condition: Acute myeloid leukemia. Review status: no classification provided. Collection method: in vitro. Allele origin: not applicable. Functional consequence: retained intron. Not counted in ClinVar's aggregate classification.

Dr. Peter K. Rogan Lab, Western University
No classification provided (evidence only). Condition: Acute myeloid leukemia. Review status: no classification provided. Collection method: in vitro. Allele origin: not applicable. Functional consequence: skipped exon. Not counted in ClinVar's aggregate classification.

Dr. Peter K. Rogan Lab, Western University
No classification provided (evidence only). Condition: Acute myeloid leukemia. Review status: no classification provided. Collection method: in vitro. Allele origin: not applicable. Functional consequence: retained intron. Not counted in ClinVar's aggregate classification.

Dr. Peter K. Rogan Lab, Western University
No classification provided (evidence only). Condition: Acute myeloid leukemia. Review status: no classification provided. Collection method: in vitro. Allele origin: not applicable. Functional consequence: retained intron. Not counted in ClinVar's aggregate classification.

Dr. Peter K. Rogan Lab, Western University
No classification provided (evidence only). Condition: Uterine corpus endometrial carcinoma. Review status: no classification provided. Collection method: in vitro. Allele origin: not applicable. Functional consequence: retained intron. Not counted in ClinVar's aggregate classification.

Dr. Peter K. Rogan Lab, Western University
No classification provided (evidence only). Condition: Cervical cancer. Review status: no classification provided. Collection method: in vitro. Allele origin: not applicable. Functional consequence: retained intron. Not counted in ClinVar's aggregate classification.

Dr. Peter K. Rogan Lab, Western University
No classification provided (evidence only). Condition: Cholangiocarcinoma. Review status: no classification provided. Collection method: in vitro. Allele origin: not applicable. Functional consequence: skipped exon. Not counted in ClinVar's aggregate classification.

Dr. Peter K. Rogan Lab, Western University
No classification provided (evidence only). Condition: Cholangiocarcinoma. Review status: no classification provided. Collection method: in vitro. Allele origin: not applicable. Functional consequence: retained intron. Not counted in ClinVar's aggregate classification.

Dr. Peter K. Rogan Lab, Western University
No classification provided (evidence only). Condition: Ovarian serous cystadenocarcinoma. Review status: no classification provided. Collection method: in vitro. Allele origin: not applicable. Functional consequence: retained intron. Not counted in ClinVar's aggregate classification.

Dr. Peter K. Rogan Lab, Western University
No classification provided (evidence only). Condition: Malignant tumor of esophagus. Review status: no classification provided. Collection method: in vitro. Allele origin: not applicable. Functional consequence: skipped exon, retained intron. Not counted in ClinVar's aggregate classification.

Dr. Peter K. Rogan Lab, Western University
No classification provided (evidence only). Condition: Malignant tumor of esophagus. Review status: no classification provided. Collection method: in vitro. Allele origin: not applicable. Functional consequence: skipped exon, retained intron. Not counted in ClinVar's aggregate classification.

Dr. Peter K. Rogan Lab, Western University
No classification provided (evidence only). Condition: Malignant tumor of esophagus. Review status: no classification provided. Collection method: in vitro. Allele origin: not applicable. Functional consequence: skipped exon. Not counted in ClinVar's aggregate classification.

Dr. Peter K. Rogan Lab, Western University
No classification provided (evidence only). Condition: Malignant tumor of esophagus. Review status: no classification provided. Collection method: in vitro. Allele origin: not applicable. Functional consequence: retained intron. Not counted in ClinVar's aggregate classification.

Dr. Peter K. Rogan Lab, Western University
No classification provided (evidence only). Condition: Malignant tumor of esophagus. Review status: no classification provided. Collection method: in vitro. Allele origin: not applicable. Functional consequence: skipped exon, retained intron. Not counted in ClinVar's aggregate classification.

Dr. Peter K. Rogan Lab, Western University
No classification provided (evidence only). Condition: Malignant tumor of esophagus. Review status: no classification provided. Collection method: in vitro. Allele origin: not applicable. Functional consequence: retained intron. Not counted in ClinVar's aggregate classification.

Dr. Peter K. Rogan Lab, Western University
No classification provided (evidence only). Condition: Chronic lymphocytic leukemia/small lymphocytic lymphoma. Review status: no classification provided. Collection method: in vitro. Allele origin: not applicable. Functional consequence: retained intron. Not counted in ClinVar's aggregate classification.

Dr. Peter K. Rogan Lab, Western University
No classification provided (evidence only). Condition: Chronic lymphocytic leukemia/small lymphocytic lymphoma. Review status: no classification provided. Collection method: in vitro. Allele origin: not applicable. Functional consequence: skipped exon, retained intron. Not counted in ClinVar's aggregate classification.

Dr. Peter K. Rogan Lab, Western University
No classification provided (evidence only). Condition: Chronic lymphocytic leukemia/small lymphocytic lymphoma. Review status: no classification provided. Collection method: in vitro. Allele origin: not applicable. Functional consequence: skipped exon, retained intron. Not counted in ClinVar's aggregate classification.

Dr. Peter K. Rogan Lab, Western University
No classification provided (evidence only). Condition: Chronic lymphocytic leukemia/small lymphocytic lymphoma. Review status: no classification provided. Collection method: in vitro. Allele origin: not applicable. Functional consequence: retained intron. Not counted in ClinVar's aggregate classification.

Dr. Peter K. Rogan Lab, Western University
No classification provided (evidence only). Condition: Chronic lymphocytic leukemia/small lymphocytic lymphoma. Review status: no classification provided. Collection method: in vitro. Allele origin: not applicable. Functional consequence: skipped exon, retained intron. Not counted in ClinVar's aggregate classification.

Dr. Peter K. Rogan Lab, Western University
No classification provided (evidence only). Condition: Chronic lymphocytic leukemia/small lymphocytic lymphoma. Review status: no classification provided. Collection method: in vitro. Allele origin: not applicable. Functional consequence: retained intron. Not counted in ClinVar's aggregate classification.

Dr. Peter K. Rogan Lab, Western University
No classification provided (evidence only). Condition: Nonpapillary renal cell carcinoma. Review status: no classification provided. Collection method: in vitro. Allele origin: not applicable. Functional consequence: skipped exon, retained intron. Not counted in ClinVar's aggregate classification.

Dr. Peter K. Rogan Lab, Western University
No classification provided (evidence only). Condition: Nonpapillary renal cell carcinoma. Review status: no classification provided. Collection method: in vitro. Allele origin: not applicable. Functional consequence: skipped exon, retained intron. Not counted in ClinVar's aggregate classification.

Dr. Peter K. Rogan Lab, Western University
No classification provided (evidence only). Condition: Nonpapillary renal cell carcinoma. Review status: no classification provided. Collection method: in vitro. Allele origin: not applicable. Functional consequence: skipped exon, retained intron. Not counted in ClinVar's aggregate classification.

Dr. Peter K. Rogan Lab, Western University
No classification provided (evidence only). Condition: Nonpapillary renal cell carcinoma. Review status: no classification provided. Collection method: in vitro. Allele origin: not applicable. Functional consequence: skipped exon. Not counted in ClinVar's aggregate classification.

Dr. Peter K. Rogan Lab, Western University
No classification provided (evidence only). Condition: Familial pancreatic carcinoma. Review status: no classification provided. Collection method: in vitro. Allele origin: not applicable. Functional consequence: retained intron. Not counted in ClinVar's aggregate classification.